The following is an entry in ClinVar:

NM_001048174.2(MUTYH):c.1387A>T (p.Lys463Ter)

Gene: MUTYH (mutY DNA glycosylase; minus strand). Cytogenetic location: 1p34.1.
Variant type: single nucleotide variant.
Coding change: c.1387A>T on transcript NM_001048174.2 (MANE Select); coding-DNA position 1387, A replaced by T.
Protein change: p.Lys463Ter; replaces lysine 463 with a stop codon.
Molecular consequence: nonsense. On other transcripts: non-coding transcript variant (2).
Genome position (GRCh38, 1-based): chr1:45,331,187, T>A on the plus strand (A>T on the coding strand, the complement: MUTYH is on the minus strand). VCF-style: chr1-45331187-T-A. GRCh37 (hg19) VCF-style: chr1-45796859-T-A.
Other names: c.1387A>T, p.Lys463Ter (NM_001048171.2, NM_001048173.2, NM_001293195.2); c.1390A>T, p.Lys464Ter (NM_001048172.2); c.1471A>T, p.Lys491Ter (NM_001128425.2); c.1432A>T, p.Lys478Ter (NM_001293190.2); c.1420A>T, p.Lys474Ter (NM_001293191.2); c.1111A>T, p.Lys371Ter (NM_001293192.2, NM_001293196.2); c.1042A>T, p.Lys348Ter (NM_001350650.2, NM_001350651.2); c.1462A>T, p.Lys488Ter (NM_012222.3); short protein forms K491*, K464*, K474*, K478*, K488*, K463*, K348*, K371*.
Identifiers: ClinVar variation 233982 (VCV000233982.13), dbSNP rs876660774, ClinGen allele CA10577699.

ClinVar aggregate classification (germline): Pathogenic/Likely pathogenic. Review status: criteria provided, multiple submitters, no conflicts (2 of 4 stars). 3 submissions from 3 submitters: Pathogenic (1); Likely pathogenic (2). Last evaluated 2025-10-18.

Conditions:
Hereditary cancer-predisposing syndrome. Also called: Tumor predisposition; Hereditary Cancer Syndrome; Neoplastic Syndromes, Hereditary; Hereditary neoplastic syndrome. Identifiers: Orphanet 140162, MedGen C0027672, MeSH D009386, MONDO:0015356.
Familial adenomatous polyposis 2. Also called: MYH-associated polyposis; FAP type 2; ADENOMAS, MULTIPLE COLORECTAL, AUTOSOMAL RECESSIVE; MUTYH Polyposis; MUTYH-associated polyposis; MUTYH-related attenuated familial adenomatous polyposis. Identifiers: Orphanet 220460, Orphanet 247798, MedGen C3272841, MONDO:0012041, OMIM 608456.

Submissions (3):

Labcorp Genetics (formerly Invitae), Labcorp
Classification: Pathogenic for Familial adenomatous polyposis 2. Last evaluated: 2025-10-18. Review status: criteria provided, single submitter. Criteria: Invitae Variant Classification Sherloc (09022015). Collection method: clinical testing. Allele origin: germline.
Comment: This sequence change creates a premature translational stop signal (p.Lys491*) in the MUTYH gene. It is expected to result in an absent or disrupted protein product. Loss-of-function variants in MUTYH are known to be pathogenic (PMID: 18534194, 20663686). This variant is not present in population databases (gnomAD no frequency). This variant has not been reported in the literature in individuals affected with MUTYH-related conditions. ClinVar contains an entry for this variant (Variation ID: 233982). Algorithms developed to predict the effect of sequence changes on RNA splicing suggest that this variant may disrupt the consensus splice site. For these reasons, this variant has been classified as Pathogenic.

Quest Diagnostics Nichols Institute San Juan Capistrano
Classification: Likely pathogenic. Last evaluated: 2023-09-16. Review status: criteria provided, single submitter. Criteria: Quest Diagnostics criteria. Collection method: clinical testing. Allele origin: unknown.
Comment: This variant is predicted to cause the premature termination of MUTYH protein synthesis. This variant has not been reported in individuals with MUTYH related conditions. However, this variant has been reported in a carrier screening study (PMID: 29754767 (2018)). This variant has not been reported in large, multi-ethnic general populations (Genome Aggregation Database). Based on the available information, this variant is classified as likely pathogenic.

Ambry Genetics
Classification: Likely pathogenic for Hereditary cancer-predisposing syndrome. Last evaluated: 2023-06-30. Review status: criteria provided, single submitter. Criteria: Ambry Variant Classification Scheme 2023. Collection method: clinical testing. Allele origin: germline.
Comment: The p.K491* variant (also known as c.1471A>T), located in coding exon 14 of the MUTYH gene, results from an A to T substitution at nucleotide position 1471. This changes the amino acid from a lysine to a stop codon within coding exon 14. This alteration occurs at the 3' terminus of theMUTYH gene, is not expected to trigger nonsense-mediated mRNA decay, and only impacts the last 59 amino acids of the protein. However, premature stop codons are typically deleterious in nature, a significant portion of the protein is affected, and the impacted region is critical for protein function (Ambry internal data). Internal structural analysis suggests that this alteration is expected to result in loss of predicted and confirmed interaction and regulatory domains, including PCNA-binding Pip domain, which results in loss of DNA repair function in-vitro (Chang DY et al. J. Biol. Chem. 2002 Apr;277:11853-8). This variant is considered to be rare based on population cohorts in the Genome Aggregation Database (gnomAD). Based on the majority of available evidence to date, this variant is likely to be pathogenic.

Literature cited by the submitters: PubMed 18534194 (cited by Labcorp Genetics (formerly Invitae), Labcorp); PubMed 20663686 (cited by Labcorp Genetics (formerly Invitae), Labcorp); PubMed 29754767 (cited by Quest Diagnostics Nichols Institute San Juan Capistrano).